The following is an entry in ClinVar:

ClinVar aggregate classification (germline): Benign. Review status: reviewed by expert panel (3 of 4 stars). 16 submissions from 16 submitters: Benign (1). 15 of the submissions do not count toward it. Last evaluated 2015-08-10.

Conditions:
Hereditary cancer-predisposing syndrome. Also called: Tumor predisposition; Neoplastic Syndromes, Hereditary; Hereditary neoplastic syndrome; Hereditary Cancer Syndrome. Identifiers: Orphanet 140162, MedGen C0027672, MeSH D009386, MONDO:0015356.
Hereditary breast ovarian cancer syndrome. Also called: Hereditary breast and ovarian cancer; BRCA1- and BRCA2-Associated Hereditary Breast and Ovarian Cancer; Hereditary breast and/or ovarian cancer syndrome; Hereditary breast and ovarian cancer syndrome; Breast and ovarian cancer; Hereditary breast and ovarian cancer syndrome (HBOC). Identifiers: Orphanet 145, MedGen C0677776, MeSH D061325, MONDO:0003582. Disease mechanism: loss of function.
Breast-ovarian cancer, familial, susceptibility to, 2 (BROVCA2). Also called: BRCA2 Hereditary Breast and Ovarian Cancer. Identifiers: Orphanet 145, MedGen C2675520, MONDO:0012933, OMIM 612555. Disease mechanism: loss of function.

Allele frequency attached by ClinVar (database versions not stated): gnomAD exomes 0.00003 and 0.00001; gnomAD 0.00019 and 0.00021; TOPMed 0.00053; 1000 Genomes Project 0.00100; 1000 Genomes Project 30x 0.00109; ExAC 0.00003.
gnomAD v4.1: 67 of 1,613,952 alleles (0.0042%); highest among the groups gnomAD compares: Admixed American, 0.062%; 1 homozygote.

Submissions (16):

Evidence-based Network for the Interpretation of Germline Mutant Alleles (ENIGMA)
Classification: Benign for Breast-ovarian cancer, familial 2. Last evaluated: 2015-08-10. Review status: reviewed by expert panel. Criteria: ENIGMA BRCA1/2 Classification Criteria (2015). Collection method: curation. Allele origin: germline.
Comment: IARC class based on posterior probability from multifactorial likelihood analysis, thresholds for class as per Plon et al. 2008 (PMID: 18951446). Class 1 based on posterior probability = 0.0000648

Labcorp Genetics (formerly Invitae), Labcorp
Classification: Benign for Hereditary breast ovarian cancer syndrome. Last evaluated: 2026-02-03. Review status: criteria provided, single submitter. Criteria: Invitae Variant Classification Sherloc (09022015). Collection method: clinical testing. Allele origin: germline. Not counted in ClinVar's aggregate classification.

Dasa
Classification: Benign for Breast-ovarian cancer, familial, susceptibility to, 2. Last evaluated: 2025-11-27. Review status: criteria provided, single submitter. Criteria: DASA Assertion Criteria. Collection method: clinical testing. Allele origin: germline. Not counted in ClinVar's aggregate classification.
Comment: NM_000059.4(BRCA2):c.1123C>T (p.Pro375Ser) is interpreted based on available population and clinical evidence, including population frequency and no convincing observation in affected individuals. Based on the available data, this variant is classified as benign.

Blueprint Genetics
Classification: Likely benign. Last evaluated: 2024-08-12. Review status: criteria provided, single submitter. Criteria: ACMG Guidelines, 2015. Collection method: clinical testing. Allele origin: germline. Not counted in ClinVar's aggregate classification.

Institute for Biomarker Research, Medical Diagnostic Laboratories, L.L.C.
Classification: Likely benign for Hereditary breast ovarian cancer syndrome. Last evaluated: 2023-04-18. Review status: criteria provided, single submitter. Criteria: ACMG Guidelines, 2015. Collection method: clinical testing. Allele origin: germline. Not counted in ClinVar's aggregate classification.

National Health Laboratory Service, Universitas Academic Hospital and University of the Free State
Classification: Benign for Hereditary breast ovarian cancer syndrome. Last evaluated: 2022-04-19. Review status: criteria provided, single submitter. Criteria: ACMG Guidelines, 2015. Collection method: clinical testing. Allele origin: germline. Affected: yes. Observed: 1 variant allele. Not counted in ClinVar's aggregate classification.

GeneDx
Classification: Likely benign. Last evaluated: 2020-12-16. Review status: criteria provided, single submitter. Criteria: GeneDx Variant Classification Process June 2021. Collection method: clinical testing. Allele origin: germline. Affected: yes. Not counted in ClinVar's aggregate classification.
Comment: In silico analysis, which includes protein predictors and evolutionary conservation, supports that this variant does not alter protein structure/function; This variant is associated with the following publications: (PMID: 26689913, 18284688, 24916970, 15876480, 21990134, 17924331, 24323938, 23315985, 27153395, 26332594, 29580235)

Sema4
Classification: Benign for Hereditary cancer-predisposing syndrome. Last evaluated: 2020-12-16. Review status: criteria provided, single submitter. Criteria: Sema4 Curation Guidelines. Collection method: curation. Allele origin: germline. Not counted in ClinVar's aggregate classification.

Women's Health and Genetics/Laboratory Corporation of America, LabCorp
Classification: Benign. Last evaluated: 2020-08-24. Review status: criteria provided, single submitter. Criteria: LabCorp Variant Classification Summary - May 2015. Collection method: clinical testing. Allele origin: germline. Not counted in ClinVar's aggregate classification.
Comment: Variant summary: BRCA2 c.1123C>T (p.Pro375Ser) results in a non-conservative amino acid change in the encoded protein sequence. Four of five in-silico tools predict a benign effect of the variant on protein function. The variant allele was found at a frequency of 0.00018 in 143210 control chromosomes, predominantly at a frequency of 0.0014 within the Latino subpopulation in the gnomAD v3 database, including 1 homozygote. The observed variant frequency within Latino control individuals in the gnomAD database is approximately 2 fold of the estimated maximal expected allele frequency for a pathogenic variant in BRCA2 causing Hereditary Breast And Ovarian Cancer Syndrome phenotype (0.00075), strongly suggesting that the variant is a benign polymorphism found primarily in populations of Latino origin. This variant has been reported in the literature in individuals affected with breast- and ovarian cancer (Lee_2008, Salazar_2006, Peixoto_2014, Maistro_2016, Maxwell_2016). However, these reports do not provide unequivocal conclusions about association of the variant with Hereditary Breast and Ovarian Cancer. At least one co-occurrence with another pathogenic variant has been reported (BRCA1 c.211A>G (p.Arg71Gly) in the NHGRI BIC database), providing supporting evidence for a benign role. Multifactorial probability models, performing systematic assessments of variants of unknown significance in the BRCA genes, which included analysis of co-occurrence in trans with known deleterious mutations, personal and family history of cancer and co-segregation with disease in pedigrees, predicted this variant to be neutral (Easton_2007 and Lindor_2012). To our knowledge, no experimental evidence demonstrating an impact on protein function has been reported. Six ClinVar submitters, including one expert panel (ENIGMA), (evaluation after 2014) cite the variant as benign (3x) and likely benign (3x). Based on the evidence outlined above, the variant was classified as benign.

Mendelics
Classification: Likely benign for Breast-ovarian cancer, familial, susceptibility to, 2. Last evaluated: 2019-05-28. Review status: criteria provided, single submitter. Criteria: Mendelics Assertion Criteria 2017. Collection method: clinical testing. Allele origin: unknown. Not counted in ClinVar's aggregate classification.

Color Diagnostics, LLC DBA Color Health
Classification: Benign for Hereditary cancer-predisposing syndrome. Last evaluated: 2016-08-31. Review status: criteria provided, single submitter. Criteria: ACMG Guidelines, 2015. Collection method: clinical testing. Allele origin: germline. Not counted in ClinVar's aggregate classification.

Eurofins Ntd Llc (ga)
Classification: Likely benign. Last evaluated: 2015-03-25. Review status: criteria provided, single submitter. Criteria: EGL Classification Definitions 2015. Collection method: clinical testing. Allele origin: germline. Observed: 1 variant allele, 1 heterozygote. Not counted in ClinVar's aggregate classification.

Ambry Genetics
Classification: Benign for Hereditary cancer-predisposing syndrome. Last evaluated: 2014-11-19. Review status: criteria provided, single submitter. Criteria: Ambry Variant Classification Scheme 2023. Collection method: clinical testing. Allele origin: germline. Not counted in ClinVar's aggregate classification.

Counsyl
Classification: Likely benign for Breast-ovarian cancer, familial 2. Last evaluated: 2014-07-21. Review status: no assertion criteria provided. Collection method: literature only. Allele origin: unknown. Inheritance: Autosomal dominant inheritance. Not counted in ClinVar's aggregate classification.

Sharing Clinical Reports Project (SCRP)
Classification: Benign for Breast-ovarian cancer, familial 2. Last evaluated: 2012-05-01. Review status: no assertion criteria provided. Collection method: clinical testing. Allele origin: germline. Not counted in ClinVar's aggregate classification.

Breast Cancer Information Core (BIC) (BRCA2)
Classification: Uncertain significance for Breast-ovarian cancer, familial 2. Last evaluated: 2002-05-29. Review status: no assertion criteria provided. Collection method: clinical testing. Allele origin: germline. Affected: yes. Observed: 7 variant alleles. Not counted in ClinVar's aggregate classification.

Literature cited by the submitters: PubMed 21990134 (cited by 3 submitters); PubMed 17924331 (cited by Women's Health and Genetics/Laboratory Corporation of America, LabCorp and Counsyl); PubMed 18284688 (cited by Women's Health and Genetics/Laboratory Corporation of America, LabCorp); PubMed 24323938 (cited by Women's Health and Genetics/Laboratory Corporation of America, LabCorp and Counsyl); PubMed 15876480 (cited by Women's Health and Genetics/Laboratory Corporation of America, LabCorp and Counsyl); PubMed 23704879 (cited by Women's Health and Genetics/Laboratory Corporation of America, LabCorp); PubMed 24916970 (cited by Women's Health and Genetics/Laboratory Corporation of America, LabCorp); PubMed 26332594 (cited by Women's Health and Genetics/Laboratory Corporation of America, LabCorp); PubMed 23315985 (cited by Women's Health and Genetics/Laboratory Corporation of America, LabCorp and Counsyl); PubMed 26689913 (cited by Women's Health and Genetics/Laboratory Corporation of America, LabCorp); PubMed 27153395 (cited by Women's Health and Genetics/Laboratory Corporation of America, LabCorp); PubMed 27914478 (cited by Women's Health and Genetics/Laboratory Corporation of America, LabCorp); PubMed 29580235 (cited by Women's Health and Genetics/Laboratory Corporation of America, LabCorp).

NM_000059.4(BRCA2):c.1123C>T (p.Pro375Ser)

Gene: BRCA2 (BRCA2 DNA repair associated; plus strand). Cytogenetic location: 13q13.1.
Variant type: single nucleotide variant.
Coding change: c.1123C>T on transcript NM_000059.4 (MANE Select); coding-DNA position 1123, C replaced by T.
Protein change: p.Pro375Ser; replaces proline 375 with serine.
Molecular consequence: missense variant.
Genome position (GRCh38, 1-based): chr13:32,332,601, C>T. VCF-style: chr13-32332601-C-T. GRCh37 (hg19) VCF-style: chr13-32906738-C-T.
Other names: p.P375S:CCC>TCC; NP_000050.3:p.Pro375Ser; 1351C>T; short protein forms P375S.
Identifiers: ClinVar variation 51066 (VCV000051066.35), dbSNP rs80358408, ClinGen allele CA010858.